The following is an entry in ClinVar:

NM_001035.3(RYR2):c.4666G>A (p.Glu1556Lys)

Gene: RYR2 (ryanodine receptor 2; plus strand). Cytogenetic location: 1q43.
Variant type: single nucleotide variant.
Coding change: c.4666G>A on transcript NM_001035.3 (MANE Select); coding-DNA position 4666, G replaced by A.
Protein change: p.Glu1556Lys; replaces glutamic acid 1556 with lysine.
Molecular consequence: missense variant.
Genome position (GRCh38, 1-based): chr1:237,602,094, G>A. VCF-style: chr1-237602094-G-A. GRCh37 (hg19) VCF-style: chr1-237765394-G-A.
Other names: short protein forms E1556K.
Identifiers: ClinVar variation 925799 (VCV000925799.48), dbSNP rs1048532590, ClinGen allele CA39815867.
Genomic context (GRCh38, chr1:237,602,094, plus strand): 5'-AGTACAAAATTATTTCCTGCGGTTTTTGCACAAGCTACAAGTCCCAATGTTTTCCAGTTT[G>A]AGTTGGGAAGAATAAAGGTAATAAAACTTATTCCTGGTATTGTATTTGTATTTTTTCTAT-3'
Protein context (NP_001026.2, residues 1546-1566): QATSPNVFQF[Glu1556Lys]LGRIKNVMPL

ClinVar aggregate classification (germline): Uncertain significance. Review status: criteria provided, multiple submitters, no conflicts (2 of 4 stars). 2 submissions from 2 submitters: Uncertain significance (2). Last evaluated 2022-06-08.

Conditions:
Cardiomyopathy (CMYO). Also called: Cardiomyopathies. Identifiers: Orphanet 167848, MedGen C0878544, MONDO:0004994, HP:0001638. Inheritance: Various modes of inheritance.
Catecholaminergic polymorphic ventricular tachycardia 1. Also called: VENTRICULAR TACHYCARDIA, CATECHOLAMINERGIC POLYMORPHIC, 1, WITH OR WITHOUT ATRIAL DYSFUNCTION AND/OR DILATED CARDIOMYOPATHY; RYR2-Related Catecholaminergic Polymorphic Ventricular Tachycardia; VENTRICULAR TACHYCARDIA, STRESS-INDUCED POLYMORPHIC 1. Identifiers: Orphanet 3286, MedGen C1631597, MONDO:0011484, OMIM 604772.

Allele frequency attached by ClinVar (database versions not stated): TOPMed below 0.00001; gnomAD 0.00001; gnomAD exomes 0.00001.
gnomAD v4.1: 10 of 1,612,292 alleles (0.00062%); highest among the groups gnomAD compares: Admixed American, 0.0017%; no homozygotes.

Submissions (2):

Labcorp Genetics (formerly Invitae), Labcorp
Classification: Uncertain significance for Catecholaminergic polymorphic ventricular tachycardia 1. Last evaluated: 2022-06-08. Review status: criteria provided, single submitter. Criteria: Invitae Variant Classification Sherloc (09022015). Collection method: clinical testing. Allele origin: germline.
Comment: This variant has not been reported in the literature in individuals affected with RYR2-related conditions. In summary, the available evidence is currently insufficient to determine the role of this variant in disease. Therefore, it has been classified as a Variant of Uncertain Significance. Algorithms developed to predict the effect of missense changes on protein structure and function (SIFT, PolyPhen-2, Align-GVGD) all suggest that this variant is likely to be disruptive. ClinVar contains an entry for this variant (Variation ID: 925799). This variant is not present in population databases (gnomAD no frequency). This sequence change replaces glutamic acid, which is acidic and polar, with lysine, which is basic and polar, at codon 1556 of the RYR2 protein (p.Glu1556Lys).

Color Diagnostics, LLC DBA Color Health
Classification: Uncertain significance for Cardiomyopathy. Last evaluated: 2021-04-20. Review status: criteria provided, single submitter. Criteria: ACMG Guidelines, 2015. Collection method: clinical testing. Allele origin: germline.
Comment: This missense variant replaces glutamic acid with lysine at codon 1556 of the RYR2 protein. Computational prediction suggests that this variant may have deleterious impact on protein structure and function (internally defined REVEL score threshold >= 0.7, PMID: 27666373). To our knowledge, functional studies have not been reported for this variant. This variant has not been reported in individuals affected with cardiovascular disorders in the literature. This variant has not been identified in the general population by the Genome Aggregation Database (gnomAD). The available evidence is insufficient to determine the role of this variant in disease conclusively. Therefore, this variant is classified as a Variant of Uncertain Significance.